The following is an entry in ClinVar:

ClinVar aggregate classification (germline): Likely benign (1 of 4 stars; one submission).

Allele frequency attached by ClinVar (database versions not stated): gnomAD exomes below 0.00001.
gnomAD v4.1: 2 of 1,206,700 alleles (0.00017%); highest among the groups gnomAD compares: Non-Finnish European, 0.00022%; no homozygotes.

Submission:

CeGaT Center for Human Genetics Tuebingen
Classification: Likely benign. Last evaluated: 2024-03-01. Review status: criteria provided, single submitter. Criteria: CeGaT Center For Human Genetics Tuebingen Variant Classification Criteria Version 2. Collection method: clinical testing. Allele origin: germline. Affected: yes. Observed: 1 variant allele.
Comment: KDM5C: BP4, BP7

NM_004187.5(KDM5C):c.3192G>T (p.Gly1064=)

Gene: KDM5C (lysine demethylase 5C; minus strand). Cytogenetic location: Xp11.22.
Variant type: single nucleotide variant.
Coding change: c.3192G>T on transcript NM_004187.5 (MANE Select); coding-DNA position 3192, G replaced by T.
Protein change: p.Gly1064=; no amino-acid change (glycine 1064 retained).
Molecular consequence: synonymous variant. On other transcripts: non-coding transcript variant (3).
Genome position (GRCh38, 1-based): chrX:53,195,339, C>A on the plus strand (G>T on the coding strand, the complement: KDM5C is on the minus strand). VCF-style: chrX-53195339-C-A. GRCh37 (hg19) VCF-style: chrX-53224521-C-A.
Other names: c.2991G>T, p.Gly997= (NM_001146702.2); c.3189G>T, p.Gly1063= (NM_001282622.3, NM_001353979.2, NM_001353982.2); c.3192G>T, p.Gly1064= (NM_001353978.3, NM_001353981.2, NM_001353984.2).
Identifiers: ClinVar variation 3067448 (VCV003067448.21), dbSNP rs1556835948, ClinGen allele CA516422391.